The following is an entry in ClinVar:

NM_017436.7(A4GALT):c.938C>T (p.Ala313Val)

Gene: A4GALT (alpha 1,4-galactosyltransferase (P1PK blood group); minus strand). Cytogenetic location: 22q13.2.
Variant type: single nucleotide variant.
Coding change: c.938C>T on transcript NM_017436.7 (MANE Select); coding-DNA position 938, C replaced by T.
Protein change: p.Ala313Val; replaces alanine 313 with valine.
Molecular consequence: missense variant.
Genome position (GRCh38, 1-based): chr22:42,693,014, G>A on the plus strand (C>T on the coding strand, the complement: A4GALT is on the minus strand). VCF-style: chr22-42693014-G-A. GRCh37 (hg19) VCF-style: chr22-43089020-G-A.
Other names: c.938C>T, p.Ala313Val (NM_001318038.3); short protein forms A313V.
Identifiers: ClinVar variation 4748825 (VCV004748825.1).

ClinVar aggregate classification (germline): Uncertain significance (1 of 4 stars; one submission).

gnomAD v4.1: 1 of 1,613,740 alleles (0.000062%); highest among the groups gnomAD compares: Non-Finnish European, 0.000085%; no homozygotes.

Submission:

Labcorp Genetics (formerly Invitae), Labcorp
Classification: Uncertain significance. Last evaluated: 2025-05-13. Review status: criteria provided, single submitter. Criteria: Invitae Variant Classification Sherloc (09022015). Collection method: clinical testing. Allele origin: germline.
Comment: This sequence change replaces alanine, which is neutral and non-polar, with valine, which is neutral and non-polar, at codon 313 of the A4GALT protein (p.Ala313Val). This variant is not present in population databases (gnomAD no frequency). This variant has not been reported in the literature in individuals affected with A4GALT-related conditions. An algorithm developed to predict the effect of missense changes on protein structure and function (PolyPhen-2) suggests that this variant is likely to be disruptive. In summary, the available evidence is currently insufficient to determine the role of this variant in disease. Therefore, it has been classified as a Variant of Uncertain Significance.